The following is an entry in ClinVar:

NM_000202.8(IDS):c.1007-1089C>T

Genes: IDS (iduronate 2-sulfatase; minus strand), LOC106050102 (IDS recombination region; plus strand). Cytogenetic location: Xq28.
Variant type: single nucleotide variant.
Coding change: c.1007-1089C>T on transcript NM_000202.8 (MANE Select); 1089 bases into the intron before coding-DNA position 1007, C replaced by T.
Molecular consequence: intron variant.
Genome position (GRCh38, 1-based): chrX:149,488,187, G>A on the plus strand (C>T on the coding strand, the complement: IDS is on the minus strand). VCF-style: chrX-149488187-G-A. GRCh37 (hg19) VCF-style: chrX-148569718-G-A.
Other names: c.737-1089C>T (NM_001166550.4); c.1007-874C>T (NM_006123.5).
Identifiers: ClinVar variation 4755772 (VCV004755772.1).

ClinVar aggregate classification (germline): Uncertain significance (1 of 4 stars; one submission).

gnomAD v4.1: 2,348 of 100,223 alleles (2.3%); highest among the groups gnomAD compares: African/African-American, 3.7%; 49 homozygotes.

Submission:

GeneDx
Classification: Uncertain significance. Last evaluated: 2025-08-07. Review status: criteria provided, single submitter. Criteria: GeneDx Variant Classification Process June 2021. Collection method: clinical testing. Allele origin: germline. Affected: yes.
Comment: In silico analysis suggests that this variant does not alter splicing; Observed with other variants in IDS in a patient with reduced IDS activity on newborn screening; follow-up urine glycosaminoglycans were normal (PMID: 38053932); This variant is associated with the following publications: (PMID: 38053932)